The following is an entry in ClinVar:

NM_020812.4(DOCK6):c.398C>T (p.Ala133Val)

Gene: DOCK6 (dedicator of cytokinesis 6; minus strand). Cytogenetic location: 19p13.2.
Variant type: single nucleotide variant.
Coding change: c.398C>T on transcript NM_020812.4 (MANE Select); coding-DNA position 398, C replaced by T.
Protein change: p.Ala133Val; replaces alanine 133 with valine.
Molecular consequence: missense variant.
Genome position (GRCh38, 1-based): chr19:11,252,228, G>A on the plus strand (C>T on the coding strand, the complement: DOCK6 is on the minus strand). VCF-style: chr19-11252228-G-A. GRCh37 (hg19) VCF-style: chr19-11362904-G-A.
Other names: c.398C>T, p.Ala133Val (NM_001367830.1); short protein forms A133V.
Identifiers: ClinVar variation 1936955 (VCV001936955.6), dbSNP rs758680661, ClinGen allele CA9208503.

ClinVar aggregate classification (germline): Conflicting classifications of pathogenicity. Review status: criteria provided, conflicting classifications (1 of 4 stars). 2 submissions from 2 submitters: Uncertain significance (1); Likely benign (1). Last evaluated 2024-09-20.

Conditions:
Adams-Oliver syndrome 2 (AOS2). Identifiers: Orphanet 974, MedGen C3280182, MONDO:0013635, OMIM 614219.

Allele frequency attached by ClinVar (database versions not stated): TOPMed below 0.00001; gnomAD exomes 0.00001.
gnomAD v4.1: 16 of 1,584,450 alleles (0.001%); highest among the groups gnomAD compares: Middle Eastern, 0.033%; no homozygotes.

Submissions (2):

3billion
Classification: Likely benign for Adams-Oliver syndrome 2. Last evaluated: 2024-09-20. Review status: criteria provided, single submitter. Criteria: ACMG Guidelines, 2015. Collection method: clinical testing. Allele origin: germline. Affected: no.
Comment: The homozygous variant was found in patients diagnosed with another variant in a different gene, with no symptoms related to the gene containing the homozygous variant.

Labcorp Genetics (formerly Invitae), Labcorp
Classification: Uncertain significance. Last evaluated: 2022-02-23. Review status: criteria provided, single submitter. Criteria: Invitae Variant Classification Sherloc (09022015). Collection method: clinical testing. Allele origin: germline.
Comment: This sequence change replaces alanine, which is neutral and non-polar, with valine, which is neutral and non-polar, at codon 133 of the DOCK6 protein (p.Ala133Val). This variant is not present in population databases (gnomAD no frequency). This variant has not been reported in the literature in individuals affected with DOCK6-related conditions. Algorithms developed to predict the effect of missense changes on protein structure and function (SIFT, PolyPhen-2, Align-GVGD) all suggest that this variant is likely to be tolerated. In summary, the available evidence is currently insufficient to determine the role of this variant in disease. Therefore, it has been classified as a Variant of Uncertain Significance.